The following is an entry in ClinVar:

ClinVar aggregate classification (germline): Uncertain significance (1 of 4 stars; one submission).

Conditions:
Muscular dystrophy-dystroglycanopathy type B6 (MDDGB6). Also called: MUSCULAR DYSTROPHY-DYSTROGLYCANOPATHY (CONGENITAL WITH IMPAIRED INTELLECTUAL DEVELOPMENT), TYPE B, 6; MUSCULAR DYSTROPHY, CONGENITAL, LARGE-RELATED; MUSCULAR DYSTROPHY, CONGENITAL, TYPE 1D. Identifiers: MedGen C1837229, MONDO:0012138, OMIM 608840.

gnomAD v4.1: 1 of 1,614,016 alleles (0.000062%); highest among the groups gnomAD compares: Admixed American, 0.0017%; no homozygotes.

Submission:

Labcorp Genetics (formerly Invitae), Labcorp
Classification: Uncertain significance for Muscular dystrophy-dystroglycanopathy type B6. Last evaluated: 2022-08-03. Review status: criteria provided, single submitter. Criteria: Invitae Variant Classification Sherloc (09022015). Collection method: clinical testing. Allele origin: germline.
Comment: This sequence change replaces leucine, which is neutral and non-polar, with histidine, which is basic and polar, at codon 291 of the LARGE1 protein (p.Leu291His). This variant is not present in population databases (gnomAD no frequency). This variant has not been reported in the literature in individuals affected with LARGE1-related conditions. Algorithms developed to predict the effect of missense changes on protein structure and function (SIFT, PolyPhen-2, Align-GVGD) all suggest that this variant is likely to be disruptive. In summary, the available evidence is currently insufficient to determine the role of this variant in disease. Therefore, it has been classified as a Variant of Uncertain Significance.

NM_133642.5(LARGE1):c.872T>A (p.Leu291His)

Gene: LARGE1 (LARGE xylosyl- and glucuronyltransferase 1; minus strand). Cytogenetic location: 22q12.3.
Variant type: single nucleotide variant.
Coding change: c.872T>A on transcript NM_133642.5 (MANE Select); coding-DNA position 872, T replaced by A.
Protein change: p.Leu291His; replaces leucine 291 with histidine.
Molecular consequence: missense variant.
Genome position (GRCh38, 1-based): chr22:33,432,181, A>T on the plus strand (T>A on the coding strand, the complement: LARGE1 is on the minus strand). VCF-style: chr22-33432181-A-T. GRCh37 (hg19) VCF-style: chr22-33828167-A-T.
Other names: c.872T>A, p.Leu291His (NM_001362949.2, NM_001362951.2, NM_001362953.2 and 7 more transcripts); c.269T>A, p.Leu90His (NM_001378630.1, NM_001378631.1); short protein forms L90H, L291H.
Identifiers: ClinVar variation 1975465 (VCV001975465.2), dbSNP rs2547094226, ClinGen allele CA411545329.